The following is an entry in ClinVar:

ClinVar aggregate classification (germline): Uncertain significance. Review status: criteria provided, multiple submitters, no conflicts (2 of 4 stars). 2 submissions from 2 submitters: Uncertain significance (2). Last evaluated 2024-04-27.

Conditions:
Gorlin syndrome. Also called: Nevoid Basal Cell Carcinoma Syndrome; Basal cell nevus syndrome. Identifiers: Orphanet 377, MedGen C0004779, MONDO:0007187.
Hereditary cancer-predisposing syndrome. Also called: Neoplastic Syndromes, Hereditary; Hereditary Cancer Syndrome; Hereditary neoplastic syndrome; Tumor predisposition. Identifiers: Orphanet 140162, MedGen C0027672, MeSH D009386, MONDO:0015356.

gnomAD v4.1: 1 of 1,407,394 alleles (0.000071%); highest among the groups gnomAD compares: Non-Finnish European, 0.000092%; no homozygotes.

Submissions (2):

Ambry Genetics
Classification: Uncertain significance for Hereditary cancer-predisposing syndrome. Last evaluated: 2024-04-27. Review status: criteria provided, single submitter. Criteria: Ambry Variant Classification Scheme 2023. Collection method: clinical testing. Allele origin: germline.
Comment: The p.G19A variant (also known as c.56G>C), located in coding exon 1 of the PTCH1 gene, results from a G to C substitution at nucleotide position 56. The glycine at codon 19 is replaced by alanine, an amino acid with similar properties. This amino acid position is conserved. In addition, this alteration is predicted to be tolerated by in silico analysis. Based on the available evidence, the clinical significance of this variant remains unclear.

Labcorp Genetics (formerly Invitae), Labcorp
Classification: Uncertain significance for Gorlin syndrome. Last evaluated: 2023-12-19. Review status: criteria provided, single submitter. Criteria: Invitae Variant Classification Sherloc (09022015). Collection method: clinical testing. Allele origin: germline.
Comment: This sequence change replaces glycine, which is neutral and non-polar, with alanine, which is neutral and non-polar, at codon 19 of the PTCH1 protein (p.Gly19Ala). This variant is not present in population databases (gnomAD no frequency). This variant has not been reported in the literature in individuals affected with PTCH1-related conditions. ClinVar contains an entry for this variant (Variation ID: 2156655). Advanced modeling of protein sequence and biophysical properties (such as structural, functional, and spatial information, amino acid conservation, physicochemical variation, residue mobility, and thermodynamic stability) performed at Invitae indicates that this missense variant is not expected to disrupt PTCH1 protein function with a negative predictive value of 95%. In summary, the available evidence is currently insufficient to determine the role of this variant in disease. Therefore, it has been classified as a Variant of Uncertain Significance.

NM_000264.5(PTCH1):c.56G>C (p.Gly19Ala)

Genes: PTCH1 (patched 1; minus strand), LOC130002133 (ATAC-STARR-seq lymphoblastoid silent region 20071; plus strand). Cytogenetic location: 9q22.32.
Variant type: single nucleotide variant.
Coding change: c.56G>C on transcript NM_000264.5 (MANE Select); coding-DNA position 56, G replaced by C.
Protein change: p.Gly19Ala; replaces glycine 19 with alanine.
Molecular consequence: missense variant. On other transcripts: non-coding transcript variant (1), intron variant (3).
Genome position (GRCh38, 1-based): chr9:95,508,306, C>G on the plus strand (G>C on the coding strand, the complement: PTCH1 is on the minus strand). VCF-style: chr9-95508306-C-G. GRCh37 (hg19) VCF-style: chr9-98270588-C-G.
Other names: c.56G>C, p.Gly19Ala (NM_001354918.2); c.199-1707G>C (NM_001083603.3); c.4-1707G>C (NM_001083602.3, NM_001354919.2); short protein forms G19A.
Identifiers: ClinVar variation 2156655 (VCV002156655.5), dbSNP rs587780708, ClinGen allele CA374121503.